The following is an entry in ClinVar:

ClinVar aggregate classification (germline): Likely pathogenic (1 of 4 stars; one submission).

Conditions:
Achondrogenesis, type IA (ACG1A). Identifiers: Orphanet 932, Orphanet 93299, MedGen C0265273, MONDO:0008701, OMIM 200600.

Allele frequency attached by ClinVar (database versions not stated): gnomAD 0.00001.
gnomAD v4.1: 13 of 1,613,996 alleles (0.00081%); highest among the groups gnomAD compares: Admixed American, 0.0017%; no homozygotes.

Submission:

Labcorp Genetics (formerly Invitae), Labcorp
Classification: Likely pathogenic for Achondrogenesis, type IA. Last evaluated: 2022-07-19. Review status: criteria provided, single submitter. Criteria: Invitae Variant Classification Sherloc (09022015). Collection method: clinical testing. Allele origin: germline.
Comment: In summary, the currently available evidence indicates that the variant is pathogenic, but additional data are needed to prove that conclusively. Therefore, this variant has been classified as Likely Pathogenic. Algorithms developed to predict the effect of sequence changes on RNA splicing suggest that this variant may disrupt the consensus splice site. ClinVar contains an entry for this variant (Variation ID: 1323713). This variant has not been reported in the literature in individuals affected with TRIP11-related conditions. This variant is not present in population databases (gnomAD no frequency). This sequence change affects a donor splice site in intron 4 of the TRIP11 gene. It is expected to disrupt RNA splicing. Variants that disrupt the donor or acceptor splice site typically lead to a loss of protein function (PMID: 16199547), and loss-of-function variants in TRIP11 are known to be pathogenic (PMID: 20089971, 23956106).

Literature cited by the submitters: PubMed 16199547; PubMed 20089971; PubMed 23956106.

NM_004239.4(TRIP11):c.588+2T>C

Gene: TRIP11 (thyroid hormone receptor interactor 11; minus strand). Cytogenetic location: 14q32.12.
Variant type: single nucleotide variant.
Coding change: c.588+2T>C on transcript NM_004239.4 (MANE Select); the canonical splice donor site of the intron after coding-DNA position 588, T replaced by C.
Molecular consequence: splice donor variant.
Genome position (GRCh38, 1-based): chr14:92,021,554, A>G on the plus strand (T>C on the coding strand, the complement: TRIP11 is on the minus strand). VCF-style: chr14-92021554-A-G. GRCh37 (hg19) VCF-style: chr14-92487898-A-G.
Other names: c.585+2T>C (NM_001321851.1).
Identifiers: ClinVar variation 1323713 (VCV001323713.44), dbSNP rs2057114964, ClinGen allele CA390665104.